The following is an entry in ClinVar:

NM_017617.5(NOTCH1):c.2414C>G (p.Thr805Arg)

Gene: NOTCH1 (notch receptor 1; minus strand). Cytogenetic location: 9q34.3.
Variant type: single nucleotide variant.
Coding change: c.2414C>G on transcript NM_017617.5 (MANE Select); coding-DNA position 2414, C replaced by G.
Protein change: p.Thr805Arg; replaces threonine 805 with arginine.
Molecular consequence: missense variant.
Genome position (GRCh38, 1-based): chr9:136,513,074, G>C on the plus strand (C>G on the coding strand, the complement: NOTCH1 is on the minus strand). VCF-style: chr9-136513074-G-C. GRCh37 (hg19) VCF-style: chr9-139407526-G-C.
Other names: short protein forms T805R.
Identifiers: ClinVar variation 3635971 (VCV003635971.2).

ClinVar aggregate classification (germline): Uncertain significance (1 of 4 stars; one submission).

Conditions:
Adams-Oliver syndrome 5 (AOS5). Identifiers: Orphanet 974, MedGen C4014970, MONDO:0014459, OMIM 616028.

gnomAD v4.1: 2 of 1,542,744 alleles (0.00013%); highest among the groups gnomAD compares: South Asian, 0.0022%; no homozygotes.

Submission:

Labcorp Genetics (formerly Invitae), Labcorp
Classification: Uncertain significance for Adams-Oliver syndrome 5. Last evaluated: 2024-10-28. Review status: criteria provided, single submitter. Criteria: Invitae Variant Classification Sherloc (09022015). Collection method: clinical testing. Allele origin: germline.
Comment: This sequence change replaces threonine, which is neutral and polar, with arginine, which is basic and polar, at codon 805 of the NOTCH1 protein (p.Thr805Arg). This variant is not present in population databases (gnomAD no frequency). This variant has not been reported in the literature in individuals affected with NOTCH1-related conditions. Invitae Evidence Modeling of protein sequence and biophysical properties (such as structural, functional, and spatial information, amino acid conservation, physicochemical variation, residue mobility, and thermodynamic stability) indicates that this missense variant is not expected to disrupt NOTCH1 protein function with a negative predictive value of 95%. In summary, the available evidence is currently insufficient to determine the role of this variant in disease. Therefore, it has been classified as a Variant of Uncertain Significance.